The following is an entry in ClinVar:

NM_000540.3(RYR1):c.13850G>A (p.Gly4617Glu)

Gene: RYR1 (ryanodine receptor 1; plus strand). Cytogenetic location: 19q13.2.
Variant type: single nucleotide variant.
Coding change: c.13850G>A on transcript NM_000540.3 (MANE Select); coding-DNA position 13850, G replaced by A.
Protein change: p.Gly4617Glu; replaces glycine 4617 with glutamic acid.
Molecular consequence: missense variant.
Genome position (GRCh38, 1-based): chr19:38,572,122, G>A. VCF-style: chr19-38572122-G-A. GRCh37 (hg19) VCF-style: chr19-39062762-G-A.
Other names: c.13835G>A, p.Gly4612Glu (NM_001042723.2); short protein forms G4612E, G4617E.
Identifiers: ClinVar variation 3071538 (VCV003071538.1), dbSNP rs2514712658, ClinGen allele CA405680578.

ClinVar aggregate classification (germline): Uncertain significance (1 of 4 stars; one submission).

Conditions:
Malignant hyperthermia, susceptibility to, 1 (MHS1). Also called: Anesthesia related hyperthermia; Malignant hyperpyrexia; Fulminating hyperpyrexia; Pharmacogenic myopathy; RYR1-Related Malignant Hyperthermia Susceptibility; Malignant hyperthermia suceptibility 1. Identifiers: Orphanet 423, MedGen C2930980, MONDO:0007783, OMIM 145600.

Submission:

All of Us Research Program, National Institutes of Health
Classification: Uncertain significance for Malignant hyperthermia, susceptibility to, 1. Last evaluated: 2023-06-08. Review status: criteria provided, single submitter. Criteria: ACMG Guidelines, 2015. Collection method: clinical testing. Allele origin: germline. Inheritance: Autosomal dominant inheritance. Observed: 1 variant allele, 1 heterozygote.
Comment: This missense variant replaces glycine with glutamic acid at codon 4617 of the RYR1 protein. Computational prediction suggests that this variant may not impact protein structure and function (internally defined REVEL score threshold <= 0.5, PMID: 27666373). To our knowledge, functional studies have not been reported for this variant. This variant has not been reported in individuals affected with RYR1-related disorders in the literature. This variant has not been identified in the general population by the Genome Aggregation Database (gnomAD). The available evidence is insufficient to determine the role of this variant in disease conclusively. Therefore, this variant is classified as a Variant of Uncertain Significance.

This study involves interpretation of variants in research participants for the purpose of population health screening. Participant phenotype was not available at the time of variant classification. Additional details can be found in publication PMID: 35346344, PMCID: PMC8962531